The following is an entry in ClinVar:

NM_000492.4(CFTR):c.*325A>G

Gene: CFTR (CF transmembrane conductance regulator; plus strand). Cytogenetic location: 7q31.2.
Variant type: single nucleotide variant.
Coding change: c.*325A>G on transcript NM_000492.4 (MANE Select); 325 bases downstream of the stop codon, A replaced by G.
Molecular consequence: 3 prime UTR variant.
Genome position (GRCh38, 1-based): chr7:117,667,433, A>G. VCF-style: chr7-117667433-A-G. GRCh37 (hg19) VCF-style: chr7-117307487-A-G.
Identifiers: ClinVar variation 358740 (VCV000358740.6), dbSNP rs17140308, ClinGen allele CA10623106.

ClinVar aggregate classification (germline): Benign. Review status: criteria provided, multiple submitters, no conflicts (2 of 4 stars). 2 submissions from 2 submitters: Benign (2). Last evaluated 2018-01-12.

Conditions:
CFTR-related disorder (CFTR-RD). Also called: CFTR-related disorders; CFTR-related condition. Identifiers: MedGen C5924204, MONDO:7770004.

Allele frequency attached by ClinVar (database versions not stated): TOPMed 0.05552; gnomAD 0.04894 and 0.05262; 1000 Genomes Project 0.05112; gnomAD exomes 0.00604; 1000 Genomes Project 30x 0.05434.
gnomAD v4.1: 8,732 of 373,534 alleles (2.3%); highest among the groups gnomAD compares: African/African-American, 17%; 708 homozygotes.

Submissions (2):

Illumina Laboratory Services, Illumina
Classification: Benign for CFTR-Related Disorders. Last evaluated: 2018-01-12. Review status: criteria provided, single submitter. Criteria: ICSL Variant Classification Criteria 13 December 2019. Collection method: clinical testing. Allele origin: germline.
Comment: This variant was observed in the ICSL laboratory as part of a predisposition screen in an ostensibly healthy population. It had not been previously curated by ICSL or reported in the Human Gene Mutation Database (HGMD: prior to June 1st, 2018), and was therefore a candidate for classification through an automated scoring system. Utilizing variant allele frequency, disease prevalence and penetrance estimates, and inheritance mode, an automated score was calculated to assess if this variant is too frequent to cause the disease. Based on the score and internal cut-off values, a variant classified as benign is not then subjected to further curation. The score for this variant resulted in a classification of benign for this disease.

Breakthrough Genomics
Classification: Benign. Review status: criteria provided, single submitter. Criteria: ACMG Guidelines, 2015. Collection method: not provided. Allele origin: germline. Inheritance: Autosomal recessive inheritance. Affected: yes.